The following is an entry in ClinVar:

NM_020975.6(RET):c.1762G>A (p.Gly588Ser)

Gene: RET (ret proto-oncogene; plus strand). Cytogenetic location: 10q11.21.
Variant type: single nucleotide variant.
Coding change: c.1762G>A on transcript NM_020975.6 (MANE Select); coding-DNA position 1762, G replaced by A.
Protein change: p.Gly588Ser; replaces glycine 588 with serine.
Molecular consequence: missense variant.
Genome position (GRCh38, 1-based): chr10:43,113,558, G>A. VCF-style: chr10-43113558-G-A. GRCh37 (hg19) VCF-style: chr10-43609006-G-A.
Other names: c.1762G>A, p.Gly588Ser (NM_001406763.1, NM_001406765.1, NM_020629.2 and 6 more transcripts); c.1633G>A, p.Gly545Ser (NM_001406764.1, NM_001406768.1, NM_001406761.1 and 1 more transcripts); c.1474G>A, p.Gly492Ser (NM_001406766.1, NM_001406767.1, NM_001406770.1); c.1366G>A, p.Gly456Ser (NM_001406769.1, NM_001406772.1); c.1324G>A, p.Gly442Ser (NM_001406771.1, NM_001406773.1); c.1237G>A, p.Gly413Ser (NM_001406774.1); c.1036G>A, p.Gly346Ser (NM_001406775.1, NM_001406776.1, NM_001406777.1 and 1 more transcripts); c.865G>A, p.Gly289Ser (NM_001406779.1, NM_001406780.1, NM_001406781.1 and 2 more transcripts); and 5 more; short protein forms G289S, G413S, G456S, G492S, G246S, G334S, G588S, G105S.
Identifiers: ClinVar variation 1779609 (VCV001779609.5), dbSNP rs2538480372, ClinGen allele CA376552388.
Genomic context (GRCh38, chr10:43,113,558, plus strand): 5'-TGGGCGCCTGGGGTGGTCAGGCGCCCCAGGAGGCTGAGTGGGCTACGTCTGCCCTCAGGG[G>A]GCAGCATTGTTGGGGGACACGAGCCTGGGGAGCCCCGGGGGATTAAAGCTGGCTATGGCA-3'
Protein context (NP_066124.1, residues 578-598): INICPQDCLR[Gly588Ser]SIVGGHEPGE

ClinVar aggregate classification (germline): Uncertain significance. Review status: criteria provided, multiple submitters, no conflicts (2 of 4 stars). 3 submissions from 3 submitters: Uncertain significance (3). Last evaluated 2025-01-19.

Conditions:
Hereditary cancer-predisposing syndrome. Also called: Neoplastic Syndromes, Hereditary; Tumor predisposition; Hereditary Cancer Syndrome; Hereditary neoplastic syndrome. Identifiers: Orphanet 140162, MedGen C0027672, MeSH D009386, MONDO:0015356.
Multiple endocrine neoplasia, type 2 (MEN2). Identifiers: Orphanet 653, MedGen C4048306, MONDO:0019003. Disease mechanism: gain of function.

Allele frequency attached by ClinVar (database versions not stated): gnomAD exomes below 0.00001.
gnomAD v4.1: 4 of 1,606,830 alleles (0.00025%); highest among the groups gnomAD compares: Non-Finnish European, 0.00034%; no homozygotes.

Submissions (3):

Labcorp Genetics (formerly Invitae), Labcorp
Classification: Uncertain significance for Multiple endocrine neoplasia, type 2. Last evaluated: 2025-01-19. Review status: criteria provided, single submitter. Criteria: Invitae Variant Classification Sherloc (09022015). Collection method: clinical testing. Allele origin: germline.
Comment: This sequence change replaces glycine, which is neutral and non-polar, with serine, which is neutral and polar, at codon 588 of the RET protein (p.Gly588Ser). This variant is not present in population databases (gnomAD no frequency). This variant has not been reported in the literature in individuals affected with RET-related conditions. ClinVar contains an entry for this variant (Variation ID: 1779609). An algorithm developed to predict the effect of missense changes on protein structure and function (PolyPhen-2) suggests that this variant is likely to be tolerated. In summary, the available evidence is currently insufficient to determine the role of this variant in disease. Therefore, it has been classified as a Variant of Uncertain Significance.

All of Us Research Program, National Institutes of Health
Classification: Uncertain significance for Multiple endocrine neoplasia, type 2. Last evaluated: 2023-10-12. Review status: criteria provided, single submitter. Criteria: ACMG Guidelines, 2015. Collection method: clinical testing. Allele origin: germline. Inheritance: Autosomal dominant inheritance. Observed: 2 variant alleles, 2 heterozygotes.
Comment: This missense variant replaces glycine with serine at codon 588 of the RET protein. Computational prediction suggests that this variant may not impact protein structure and function (internally defined REVEL score threshold <= 0.5, PMID: 27666373). To our knowledge, functional studies have not been reported for this variant. This variant has not been reported in individuals affected with hereditary cancer in the literature. This variant has not been identified in the general population by the Genome Aggregation Database (gnomAD). The available evidence is insufficient to determine the role of this variant in disease conclusively. Therefore, this variant is classified as a Variant of Uncertain Significance.

This study involves interpretation of variants in research participants for the purpose of population health screening. Participant phenotype was not available at the time of variant classification. Additional details can be found in publication PMID: 35346344, PMCID: PMC8962531

Ambry Genetics
Classification: Uncertain significance for Hereditary cancer-predisposing syndrome. Last evaluated: 2022-08-22. Review status: criteria provided, single submitter. Criteria: Ambry Variant Classification Scheme 2023. Collection method: clinical testing. Allele origin: germline.
Comment: The p.G588S variant (also known as c.1762G>A), located in coding exon 10 of the RET gene, results from a G to A substitution at nucleotide position 1762. The glycine at codon 588 is replaced by serine, an amino acid with similar properties. This amino acid position is conserved. In addition, the in silico prediction for this alteration is inconclusive. Since supporting evidence is limited at this time, the clinical significance of this alteration remains unclear.